The following is an entry in ClinVar:

NM_001371596.2(MFSD8):c.198+1G>A

Gene: MFSD8 (major facilitator superfamily domain containing 8; minus strand). Cytogenetic location: 4q28.2.
Variant type: single nucleotide variant.
Coding change: c.198+1G>A on transcript NM_001371596.2 (MANE Select); the canonical splice donor site of the intron after coding-DNA position 198, G replaced by A.
Molecular consequence: splice donor variant.
Genome position (GRCh38, 1-based): chr4:127,949,803, C>T on the plus strand (G>A on the coding strand, the complement: MFSD8 is on the minus strand). VCF-style: chr4-127949803-C-T. GRCh37 (hg19) VCF-style: chr4-128870958-C-T.
Other names: c.63+1G>A (NM_001371595.1, NM_001410765.1, NM_001371590.2); c.198+1G>A (NM_152778.4, NM_001363521.3, NM_001410766.1 and 5 more transcripts).
Identifiers: ClinVar variation 2110907 (VCV002110907.5), dbSNP rs761969307, ClinGen allele CA3077535.

ClinVar aggregate classification (germline): Likely pathogenic (1 of 4 stars; one submission).

Conditions:
Neuronal ceroid lipofuscinosis 7 (CLN7). Also called: MFSD8-Related Neuronal Ceroid-Lipofuscinosis. Identifiers: Orphanet 168491, Orphanet 228366, MedGen C1838571, MONDO:0012588, OMIM 610951.

Allele frequency attached by ClinVar (database versions not stated): ExAC 0.00001.
gnomAD v4.1: 4 of 1,611,806 alleles (0.00025%); highest among the groups gnomAD compares: Non-Finnish European, 0.00034%; no homozygotes.

Submissions (2):

Labcorp Genetics (formerly Invitae), Labcorp
Classification: Likely pathogenic for Neuronal ceroid lipofuscinosis 7. Last evaluated: 2022-03-23. Review status: criteria provided, single submitter. Criteria: Invitae Variant Classification Sherloc (09022015). Collection method: clinical testing. Allele origin: germline.
Comment: In summary, the currently available evidence indicates that the variant is pathogenic, but additional data are needed to prove that conclusively. Therefore, this variant has been classified as Likely Pathogenic. Algorithms developed to predict the effect of sequence changes on RNA splicing suggest that this variant may disrupt the consensus splice site. This variant has not been reported in the literature in individuals affected with MFSD8-related conditions. This variant is present in population databases (rs761969307, gnomAD 0.0009%). This sequence change affects a donor splice site in intron 4 of the MFSD8 gene. It is expected to disrupt RNA splicing. Variants that disrupt the donor or acceptor splice site typically lead to a loss of protein function (PMID: 16199547), and loss-of-function variants in MFSD8 are known to be pathogenic (PMID: 19177532, 25227500, 28586915).

Dr. Peter K. Rogan Lab, Western University
No classification provided (evidence only). Condition: Thyroid cancer, nonmedullary, 1. Review status: no classification provided. Collection method: in vitro. Allele origin: not applicable. Functional consequence: skipped exon, retained intron. Not counted in ClinVar's aggregate classification.

Literature cited by the submitters: PubMed 16199547 (cited by Labcorp Genetics (formerly Invitae), Labcorp); PubMed 19177532 (cited by Labcorp Genetics (formerly Invitae), Labcorp); PubMed 25227500 (cited by Labcorp Genetics (formerly Invitae), Labcorp); PubMed 28586915 (cited by Labcorp Genetics (formerly Invitae), Labcorp).